The following is an entry in ClinVar:

NM_000404.4(GLB1):c.1511A>G (p.Asn504Ser)

Gene: GLB1 (galactosidase beta 1; minus strand). Cytogenetic location: 3p22.3.
Variant type: single nucleotide variant.
Coding change: c.1511A>G on transcript NM_000404.4 (MANE Select); coding-DNA position 1511, A replaced by G.
Protein change: p.Asn504Ser; replaces asparagine 504 with serine.
Molecular consequence: missense variant.
Genome position (GRCh38, 1-based): chr3:33,014,279, T>C on the plus strand (A>G on the coding strand, the complement: GLB1 is on the minus strand). VCF-style: chr3-33014279-T-C. GRCh37 (hg19) VCF-style: chr3-33055771-T-C.
Other names: c.1421A>G, p.Asn474Ser (NM_001079811.3); c.1118A>G, p.Asn373Ser (NM_001135602.3); c.1655A>G, p.Asn552Ser (NM_001317040.2); c.1511A>G (NM_000404.3); short protein forms N373S, N474S, N504S, N552S.
Identifiers: ClinVar variation 1106585 (VCV001106585.8), dbSNP rs372538696, ClinGen allele CA2299370.
Genomic context (GRCh38, chr3:33,014,279, plus strand): 5'-AGGTGGCTGCACACTGCATCCTCAGTGTCCAGTGGAAAGATCGTCCAGTCCGTGAGGATA[T>C]TGGAACTGAGAGTCAGGTTAGAAACCAAACCCTGCAAAGCAGAAACAGAGCACAGTGAGC-3'
Protein context (NP_000395.3, residues 494-514): GLVSNLTLSS[Asn504Ser]ILTDWTIFPL

ClinVar aggregate classification (germline): Conflicting classifications of pathogenicity. Review status: criteria provided, conflicting classifications (1 of 4 stars). 2 submissions from 2 submitters: Uncertain significance (1); Likely benign (1). Last evaluated 2026-09-04.

Conditions:
GLB1-related disorder. Also called: GLB1-related disorders. Identifiers: MedGen CN377807.
GM1 gangliosidosis. Identifiers: Orphanet 354, MedGen C0085131, MONDO:0018149.
Mucopolysaccharidosis, MPS-IV-B (MPS4B). Also called: Mucopolysaccharidosis type 4B; Mucopolysaccharidosis Type IVB; Mucopolysaccharidosis type IV B; Mucopolysaccharidosis type IVB (Morquio); MPS IVB; MORQUIO SYNDROME B. Identifiers: Orphanet 309310, Orphanet 582, MedGen C0086652, MONDO:0009660, OMIM 253010.

Allele frequency attached by ClinVar (database versions not stated): gnomAD exomes 0.00005 and 0.00013; ESP Exome Variant Server 0.00008; gnomAD 0.00013 and 0.00014; ExAC 0.00014; TOPMed 0.00022.
gnomAD v4.1: 95 of 1,613,936 alleles (0.0059%); highest among the groups gnomAD compares: Admixed American, 0.053%; no homozygotes.

Submissions (2):

PreventionGenetics, part of Exact Sciences
Classification: Uncertain significance for GLB1-related condition. Last evaluated: 2026-09-04. Review status: criteria provided, single submitter. Criteria: ACMG Guidelines, 2015. Collection method: clinical testing. Allele origin: germline.
Comment: The GLB1 c.1511A>G variant is predicted to result in the amino acid substitution p.Asn504Ser. To our knowledge, this variant has not been reported in the literature. This variant is reported in 0.065% of alleles in individuals of Latino descent in gnomAD. Although we suspect that this variant may be benign, at this time, the clinical significance of this variant is uncertain due to the absence of conclusive functional and genetic evidence.

Labcorp Genetics (formerly Invitae), Labcorp
Classification: Likely benign for Mucopolysaccharidosis, MPS-IV-B; GM1 gangliosidosis. Last evaluated: 2026-01-13. Review status: criteria provided, single submitter. Criteria: Invitae Variant Classification Sherloc (09022015). Collection method: clinical testing. Allele origin: germline.